The following is an entry in ClinVar:

NM_001174147.2(LMX1B):c.398_399dup (p.Cys134fs)

Gene: LMX1B (LIM homeobox transcription factor 1 beta; plus strand). Cytogenetic location: 9q33.3.
Variant type: Duplication.
Coding change: c.398_399dup on transcript NM_001174147.2 (MANE Select); coding-DNA positions 398 to 399, 2 bases duplicated (AG; older notation c.398_399dupAG).
Protein change: p.Cys134fs; shifts the reading frame from cysteine 134.
Molecular consequence: frameshift variant.
Genome position (GRCh38, 1-based): chr9:126,690,907-126,690,908, AG duplicated; duplicating any 2 consecutive bases within chr9:126,690,906-126,690,908 gives the same sequence; the c. name uses the placement nearest the transcript's 3' end. VCF-style (leftmost placement, unchanged base first): chr9-126690905-G-GGA. GRCh37 (hg19) VCF-style: chr9-129453184-G-GGA.
Other names: c.398_399dup, p.Cys134fs (NM_001174146.2, NM_002316.4); short protein forms C134fs.
Identifiers: ClinVar variation 1455589 (VCV001455589.6), dbSNP rs2118986877, ClinGen allele CA2573143936.

ClinVar aggregate classification (germline): Pathogenic (1 of 4 stars; one submission).

Submission:

Labcorp Genetics (formerly Invitae), Labcorp
Classification: Pathogenic. Last evaluated: 2020-11-13. Review status: criteria provided, single submitter. Criteria: Invitae Variant Classification Sherloc (09022015). Collection method: clinical testing. Allele origin: germline.
Comment: This variant has not been reported in the literature in individuals with LMX1B-related conditions. For these reasons, this variant has been classified as Pathogenic. Algorithms developed to predict the effect of sequence changes on RNA splicing suggest that this variant may create or strengthen a splice site, but this prediction has not been confirmed by published transcriptional studies. This variant is not present in population databases (ExAC no frequency). This sequence change creates a premature translational stop signal (p.Cys134Serfs*47) in the LMX1B gene. It is expected to result in an absent or disrupted protein product. Loss-of-function variants in LMX1B are known to be pathogenic (PMID: 9590287, 15498463).

Literature cited by the submitters: PubMed 9590287; PubMed 15498463.